The following is an entry in ClinVar:

NM_004364.5(CEBPA):c.294_296dup (p.Gly104dup)

Gene: CEBPA (CCAAT enhancer binding protein alpha; minus strand). Cytogenetic location: 19q13.11.
Variant type: Duplication.
Coding change: c.294_296dup on transcript NM_004364.5 (MANE Select); coding-DNA positions 294 to 296, 3 bases duplicated (GGG; older notation c.294_296dupGGG).
Protein change: p.Gly104dup; duplicates glycine 104.
Molecular consequence: inframe insertion. On other transcripts: 5 prime UTR variant (1).
Genome position (GRCh38, 1-based): chr19:33,302,119-33,302,121, CCC duplicated on the plus strand (GGG on the coding strand, the reverse complement: CEBPA is on the minus strand). VCF-style (leftmost placement, unchanged base first): chr19-33302118-G-GCCC. GRCh37 (hg19) VCF-style: chr19-33793024-G-GCCC.
Other names: c.-64_-62dup (NM_001285829.2); c.399_401dup, p.Gly139dup (NM_001287424.2); c.252_254dup, p.Gly90dup (NM_001287435.2).
Identifiers: ClinVar variation 949704 (VCV000949704.11), dbSNP rs1967191265, ClinGen allele CA1139666395.

ClinVar aggregate classification (germline): Uncertain significance (1 of 4 stars; one submission).

Conditions:
Acute myeloid leukemia (AML). Also called: Acute myeloid leukemia, adult; AML adult; Acute non-lymphocytic leukemia; Acute granulocytic leukemia; Leukemia, acute myelogenous, somatic; Leukemia, acute myeloid, somatic. Identifiers: Orphanet 519, MedGen C0023467, MeSH D015470, MONDO:0018874, OMIM 601626, HP:0004808. Disease mechanism: Constitutively activated FLT3.

Submission:

Labcorp Genetics (formerly Invitae), Labcorp
Classification: Uncertain significance for Acute myeloid leukemia. Last evaluated: 2022-08-09. Review status: criteria provided, single submitter. Criteria: Invitae Variant Classification Sherloc (09022015). Collection method: clinical testing. Allele origin: germline.
Comment: In summary, the available evidence is currently insufficient to determine the role of this variant in disease. Therefore, it has been classified as a Variant of Uncertain Significance. Experimental studies and prediction algorithms are not available or were not evaluated, and the functional significance of this variant is currently unknown. ClinVar contains an entry for this variant (Variation ID: 949704). This variant is not present in population databases (gnomAD no frequency). This variant, c.294_296dup, results in the insertion of 1 amino acid(s) of the CEBPA protein (p.Gly104dup), but otherwise preserves the integrity of the reading frame. This variant has not been reported in the literature in individuals affected with CEBPA-related conditions.